The following is an entry in ClinVar:

ClinVar aggregate classification (germline): Uncertain significance (1 of 4 stars; one submission).

Conditions:
Long QT syndrome (LQTS). Identifiers: MedGen C0023976, MeSH D008133, MONDO:0002442. Disease mechanism: loss of function. Inheritance: Various modes of inheritance.

Submission:

Labcorp Genetics (formerly Invitae), Labcorp
Classification: Uncertain significance for Long QT syndrome. Last evaluated: 2023-11-03. Review status: criteria provided, single submitter. Criteria: Invitae Variant Classification Sherloc (09022015). Collection method: clinical testing. Allele origin: germline.
Comment: This sequence change replaces proline, which is neutral and non-polar, with glutamine, which is neutral and polar, at codon 931 of the KCNH2 protein (p.Pro931Gln). This variant is not present in population databases (gnomAD no frequency). This variant has not been reported in the literature in individuals affected with KCNH2-related conditions. An algorithm developed to predict the effect of missense changes on protein structure and function (PolyPhen-2) suggests that this variant is likely to be tolerated. In summary, the available evidence is currently insufficient to determine the role of this variant in disease. Therefore, it has been classified as a Variant of Uncertain Significance.

NM_000238.4(KCNH2):c.2792C>A (p.Pro931Gln)

Gene: KCNH2 (potassium voltage-gated channel subfamily H member 2; minus strand). Cytogenetic location: 7q36.1.
Variant type: single nucleotide variant.
Coding change: c.2792C>A on transcript NM_000238.4 (MANE Select); coding-DNA position 2792, C replaced by A.
Protein change: p.Pro931Gln; replaces proline 931 with glutamine.
Molecular consequence: missense variant.
Genome position (GRCh38, 1-based): chr7:150,947,779, G>T on the plus strand (C>A on the coding strand, the complement: KCNH2 is on the minus strand). VCF-style: chr7-150947779-G-T. GRCh37 (hg19) VCF-style: chr7-150644867-G-T.
Other names: c.2504C>A, p.Pro835Gln (NM_001406753.1); c.1772C>A, p.Pro591Gln (NM_172057.3); short protein forms P591Q, P931Q, P835Q.
Identifiers: ClinVar variation 2693005 (VCV002693005.3), dbSNP rs749759697, ClinGen allele CA369853393.